The following is an entry in ClinVar:

ClinVar aggregate classification (germline): Uncertain significance (1 of 4 stars; one submission).

Conditions:
Gastrointestinal stromal tumor. Also called: Gastrointestinal stroma tumor; Gastrointestinal stromal tumor, somatic. Identifiers: Orphanet 44890, MedGen C0238198, MeSH D046152, MONDO:0011719, OMIM 606764, HP:0100723.

Submission:

Labcorp Genetics (formerly Invitae), Labcorp
Classification: Uncertain significance for Gastrointestinal stromal tumor. Last evaluated: 2019-05-18. Review status: criteria provided, single submitter. Criteria: Invitae Variant Classification Sherloc (09022015). Collection method: clinical testing. Allele origin: germline.
Comment: In summary, the available evidence is currently insufficient to determine the role of this variant in disease. Therefore, it has been classified as a Variant of Uncertain Significance. This sequence change replaces serine with arginine at codon 716 of the PDGFRA protein (p.Ser716Arg). The serine residue is highly conserved and there is a moderate physicochemical difference between serine and arginine. This variant is not present in population databases (ExAC no frequency). This variant has not been reported in the literature in individuals with PDGFRA-related conditions. ClinVar contains an entry for this variant (Variation ID: 528531). Algorithms developed to predict the effect of missense changes on protein structure and function are either unavailable or do not agree on the potential impact of this missense change (SIFT: "Deleterious"; PolyPhen-2: "Probably Damaging"; Align-GVGD: "Class C15").

NM_006206.6(PDGFRA):c.2146A>C (p.Ser716Arg)

Gene: PDGFRA (platelet derived growth factor receptor alpha; plus strand). Cytogenetic location: 4q12.
Variant type: single nucleotide variant.
Coding change: c.2146A>C on transcript NM_006206.6 (MANE Select); coding-DNA position 2146, A replaced by C.
Protein change: p.Ser716Arg; replaces serine 716 with arginine.
Molecular consequence: missense variant.
Genome position (GRCh38, 1-based): chr4:54,278,505, A>C. VCF-style: chr4-54278505-A-C. GRCh37 (hg19) VCF-style: chr4-55144672-A-C.
Other names: c.2146A>C, p.Ser716Arg (NM_001347827.2, NM_001347829.2); c.2221A>C, p.Ser741Arg (NM_001347828.2); c.2185A>C, p.Ser729Arg (NM_001347830.2); short protein forms S716R, S729R, S741R.
Identifiers: ClinVar variation 528531 (VCV000528531.11), dbSNP rs1553905049, ClinGen allele CA356894152.